The following is an entry in ClinVar:

ClinVar aggregate classification (germline): Uncertain significance (1 of 4 stars; one submission).

gnomAD v4.1: 4 of 1,581,530 alleles (0.00025%); highest among the groups gnomAD compares: Non-Finnish European, 0.00034%; no homozygotes.

Submission:

GeneDx
Classification: Uncertain significance. Last evaluated: 2021-06-29. Review status: criteria provided, single submitter. Criteria: GeneDx Variant Classification Process June 2021. Collection method: clinical testing. Allele origin: germline. Affected: yes.
Comment: Not observed at significant frequency in large population cohorts (Lek et al., 2016); In silico analysis supports that this missense variant does not alter protein structure/function; Has not been previously published as pathogenic or benign to our knowledge; This variant is associated with the following publications: (PMID: 27535533)

NM_004817.4(TJP2):c.839G>T (p.Arg280Leu)

Gene: TJP2 (tight junction protein 2; plus strand). Cytogenetic location: 9q21.11.
Variant type: single nucleotide variant.
Coding change: c.839G>T on transcript NM_004817.4 (MANE Select); coding-DNA position 839, G replaced by T.
Protein change: p.Arg280Leu; replaces arginine 280 with leucine.
Molecular consequence: missense variant.
Genome position (GRCh38, 1-based): chr9:69,221,383, G>T. VCF-style: chr9-69221383-G-T. GRCh37 (hg19) VCF-style: chr9-71836299-G-T.
Other names: c.770G>T, p.Arg257Leu (NM_001170414.2, NM_001369870.1, NM_001369871.1); c.851G>T, p.Arg284Leu (NM_001170415.1, NM_001369874.1, NM_001369875.1); c.932G>T, p.Arg311Leu (NM_001170416.2); c.839G>T, p.Arg280Leu (NM_001369872.1, NM_001369873.1, NM_201629.3); short protein forms R257L, R280L, R284L, R311L.
Identifiers: ClinVar variation 1331321 (VCV001331321.2), dbSNP rs1354655431, ClinGen allele CA373529367.